The following is an entry in ClinVar:

NM_020693.4(DSCAML1):c.4574G>A (p.Trp1525Ter)

Gene: DSCAML1 (DS cell adhesion molecule like 1; minus strand). Cytogenetic location: 11q23.3.
Variant type: single nucleotide variant.
Coding change: c.4574G>A on transcript NM_020693.4 (MANE Select); coding-DNA position 4574, G replaced by A.
Protein change: p.Trp1525Ter; replaces tryptophan 1525 with a stop codon.
Molecular consequence: nonsense.
Genome position (GRCh38, 1-based): chr11:117,437,268, C>T on the plus strand (G>A on the coding strand, the complement: DSCAML1 is on the minus strand). VCF-style: chr11-117437268-C-T. GRCh37 (hg19) VCF-style: chr11-117307984-C-T.
Other names: short protein forms W1525*.
Identifiers: ClinVar variation 1449424 (VCV001449424.6), dbSNP rs2137074669, ClinGen allele CA382758801.

ClinVar aggregate classification (germline): Uncertain significance (1 of 4 stars; one submission).

Submission:

Labcorp Genetics (formerly Invitae), Labcorp
Classification: Uncertain significance. Last evaluated: 2023-11-27. Review status: criteria provided, single submitter. Criteria: Invitae Variant Classification Sherloc (09022015). Collection method: clinical testing. Allele origin: germline.
Comment: This sequence change creates a premature translational stop signal (p.Trp1585*) in the DSCAML1 gene. It is expected to result in an absent or disrupted protein product. However, the current clinical and genetic evidence is not sufficient to establish whether loss-of-function variants in DSCAML1 cause disease. This variant is not present in population databases (gnomAD no frequency). This variant has not been reported in the literature in individuals affected with DSCAML1-related conditions. ClinVar contains an entry for this variant (Variation ID: 1449424). In summary, the available evidence is currently insufficient to determine the role of this variant in disease. Therefore, it has been classified as a Variant of Uncertain Significance.